The following is an entry in ClinVar:

ClinVar aggregate classification (germline): Uncertain significance (1 of 4 stars; one submission).

Conditions:
Chédiak-Higashi syndrome (CHS). Also called: Chediak-Higashi Syndrome. Identifiers: Orphanet 167, MedGen C0007965, MONDO:0008963, OMIM 214500.

Submission:

Labcorp Genetics (formerly Invitae), Labcorp
Classification: Uncertain significance for Chédiak-Higashi syndrome. Last evaluated: 2022-03-13. Review status: criteria provided, single submitter. Criteria: Invitae Variant Classification Sherloc (09022015). Collection method: clinical testing. Allele origin: germline.
Comment: In summary, the available evidence is currently insufficient to determine the role of this variant in disease. Therefore, it has been classified as a Variant of Uncertain Significance. Algorithms developed to predict the effect of sequence changes on RNA splicing suggest that this variant may create or strengthen a splice site. Algorithms developed to predict the effect of missense changes on protein structure and function are either unavailable or do not agree on the potential impact of this missense change (SIFT: "Deleterious"; PolyPhen-2: "Benign"; Align-GVGD: "Class C0"). This variant has not been reported in the literature in individuals affected with LYST-related conditions. This variant is not present in population databases (gnomAD no frequency). This sequence change replaces arginine, which is basic and polar, with serine, which is neutral and polar, at codon 3107 of the LYST protein (p.Arg3107Ser).

NM_000081.4(LYST):c.9319C>A (p.Arg3107Ser)

Gene: LYST (lysosomal trafficking regulator; minus strand). Cytogenetic location: 1q42.3.
Variant type: single nucleotide variant.
Coding change: c.9319C>A on transcript NM_000081.4 (MANE Select); coding-DNA position 9319, C replaced by A.
Protein change: p.Arg3107Ser; replaces arginine 3107 with serine.
Molecular consequence: missense variant.
Genome position (GRCh38, 1-based): chr1:235,720,902, G>T on the plus strand (C>A on the coding strand, the complement: LYST is on the minus strand). VCF-style: chr1-235720902-G-T. GRCh37 (hg19) VCF-style: chr1-235884202-G-T.
Other names: c.9319C>A, p.Arg3107Ser (NM_001301365.1); short protein forms R3107S.
Identifiers: ClinVar variation 2095040 (VCV002095040.4), dbSNP rs773917897, ClinGen allele CA344944514.